The following is an entry in ClinVar:

NM_001267550.2(TTN):c.18655G>A (p.Glu6219Lys)

Genes: TTN (titin; minus strand), LOC126806430 (BRD4-independent group 4 enhancer GRCh37_chr2:179593794-179594993; plus strand). Cytogenetic location: 2q31.2.
Variant type: single nucleotide variant.
Coding change: c.18655G>A on transcript NM_001267550.2 (MANE Select); coding-DNA position 18655, G replaced by A.
Protein change: p.Glu6219Lys; replaces glutamic acid 6219 with lysine.
Molecular consequence: missense variant. On other transcripts: intron variant (3).
Genome position (GRCh38, 1-based): chr2:178,729,501, C>T on the plus strand (G>A on the coding strand, the complement: TTN is on the minus strand). VCF-style: chr2-178729501-C-T. GRCh37 (hg19) VCF-style: chr2-179594228-C-T.
Other names: c.18655G>A (LRG_391t1); c.17704G>A, p.Glu5902Lys (NM_001256850.1); c.14923G>A, p.Glu4975Lys (NM_133378.4); c.13282+8581G>A (NM_003319.4); c.13858+8581G>A (NM_133437.4); c.13657+8581G>A (NM_133432.3); short protein forms E6219K, E4975K, E5902K.
Identifiers: ClinVar variation 448771 (VCV000448771.16), dbSNP rs72648948, ClinGen allele CA2001565.
Genomic context (GRCh38, chr2:178,729,501, plus strand): 5'-TTTCCCTGTTATTCTTCAGCCAAGTGACTTCAAACGGAGGTGTTCCCGTAACTTCACACT[C>T]CAGCTCCACGTCACTATATTTTACTACCTCCACAGGCTTCAGCTCTCTGATAAAGGTGGG-3'
Protein context (NP_001254479.2, residues 6209-6229): EVVKYSDVEL[Glu6219Lys]CEVTGTPPFE

ClinVar aggregate classification (germline): Conflicting classifications of pathogenicity. Review status: criteria provided, conflicting classifications (1 of 4 stars). 7 submissions from 7 submitters: Uncertain significance (4); Likely benign (3). Last evaluated 2025-05-27.

Conditions:
TTN-related disorder. Also called: TTN-related condition; TTN-related disease; TTN-related disorders.
Autosomal recessive limb-girdle muscular dystrophy type 2J (LGMDR10). Also called: Limb-girdle muscular dystrophy, type 2J; MUSCULAR DYSTROPHY, LIMB-GIRDLE, AUTOSOMAL RECESSIVE 10. Identifiers: Orphanet 140922, MedGen C1837342, MONDO:0012127, OMIM 608807.
Dilated cardiomyopathy 1G (CMD1G). Identifiers: Orphanet 154, MedGen C1858763, MONDO:0011400, OMIM 604145.

Allele frequency attached by ClinVar (database versions not stated): ESP Exome Variant Server 0.00033; ExAC 0.00004; gnomAD exomes 0.00004; TOPMed 0.00017.
gnomAD v4.1: 49 of 1,613,472 alleles (0.003%); highest among the groups gnomAD compares: African/African-American, 0.06%; no homozygotes.

Submissions (7):

PreventionGenetics, part of Exact Sciences
Classification: Uncertain significance for TTN-related condition. Last evaluated: 2025-05-27. Review status: criteria provided, single submitter. Criteria: ACMG Guidelines, 2015. Collection method: clinical testing. Allele origin: germline.
Comment: The TTN c.18655G>A variant is predicted to result in the amino acid substitution p.Glu6219Lys. This variant was reported as a variant of uncertain significance in a cohort study of left ventricular non-compaction (Table S2, Richard et al. 2019. PubMed ID: 30471092). This variant is reported in 0.066% of alleles in individuals of African descent in gnomAD. Although we suspect that this variant may be benign, at this time, the clinical significance of this variant is uncertain due to the absence of conclusive functional and genetic evidence.

Molecular Diagnostic Laboratory for Inherited Cardiovascular Disease, Montreal Heart Institute
Classification: Likely benign. Last evaluated: 2025-04-09. Review status: criteria provided, single submitter. Criteria: ACMG Guidelines, 2015. Collection method: clinical testing. Allele origin: germline. Affected: no.

Revvity Omics, Revvity
Classification: Uncertain significance. Last evaluated: 2021-06-21. Review status: criteria provided, single submitter. Criteria: ACMG Guidelines, 2015. Collection method: clinical testing. Allele origin: germline.

GeneDx
Classification: Likely benign. Last evaluated: 2021-02-25. Review status: criteria provided, single submitter. Criteria: GeneDx Variant Classification Process June 2021. Collection method: clinical testing. Allele origin: germline. Affected: yes.

Athena Diagnostics
Classification: Likely benign. Last evaluated: 2018-08-09. Review status: criteria provided, single submitter. Criteria: Athena Diagnostics criteria. Collection method: clinical testing. Allele origin: unknown.

Labcorp Genetics (formerly Invitae), Labcorp
Classification: Uncertain significance for Dilated cardiomyopathy 1G; Autosomal recessive limb-girdle muscular dystrophy type 2J. Last evaluated: 2017-11-30. Review status: criteria provided, single submitter. Criteria: Invitae Variant Classification Sherloc (09022015). Collection method: clinical testing. Allele origin: germline.

Eurofins Ntd Llc (ga)
Classification: Uncertain significance. Last evaluated: 2017-03-07. Review status: criteria provided, single submitter. Criteria: EGL Classification Definitions 2015. Collection method: clinical testing. Allele origin: germline. Observed: 2 variant alleles, 2 heterozygotes.